The following is an entry in ClinVar:

NM_000642.3(AGL):c.2434-19del

Gene: AGL (amylo-alpha-1, 6-glucosidase, 4-alpha-glucanotransferase; plus strand). Cytogenetic location: 1p21.2.
Variant type: Deletion.
Coding change: c.2434-19del on transcript NM_000642.3 (MANE Select); 19 bases into the intron before coding-DNA position 2434, one base deleted (T; older notation c.2434-19delT).
Molecular consequence: intron variant.
Genome position (GRCh38, 1-based): chr1:99,884,320, T deleted; the last of 7 consecutive T bases (chr1:99,884,314-99,884,320); deleting any one gives the same sequence. VCF-style (leftmost placement, unchanged base first): chr1-99884313-AT-A. GRCh37 (hg19) VCF-style: chr1-100349869-AT-A.
Other names: c.2434-19delT (NM_000642.2); c.2434-19del (NM_000643.3, NM_000644.3, NM_001425326.1 and 2 more transcripts); c.2386-19del (NM_000646.3); c.2233-19del (NM_001425327.1); c.2230-19del (NM_001425328.1, NM_001425329.1); c.2056-19del (NM_001425332.1).
Identifiers: ClinVar variation 509862 (VCV000509862.1), dbSNP rs1553187226, ClinGen allele CA658795488.

ClinVar aggregate classification (germline): Likely benign (1 of 4 stars; one submission).

Submission:

GeneDx
Classification: Likely benign. Last evaluated: 2017-06-13. Review status: criteria provided, single submitter. Criteria: GeneDx Variant Classification (06012015). Collection method: clinical testing. Allele origin: germline. Affected: yes.
Comment: This variant is considered likely benign or benign based on one or more of the following criteria: it is a conservative change, it occurs at a poorly conserved position in the protein, it is predicted to be benign by multiple in silico algorithms, and/or has population frequency not consistent with disease.